The following is an entry in ClinVar:

ClinVar aggregate classification (germline): Uncertain significance. Review status: criteria provided, single submitter (1 of 4 stars). 2 submissions from 2 submitters: Uncertain significance (1). 1 of the submissions does not count toward it. Last evaluated 2025-08-04.

Conditions:
Biotinidase deficiency. Also called: BTD deficiency; Late-onset biotin-responsive multiple carboxylase deficiency; Biotin deficiency. Identifiers: Orphanet 79241, MedGen C0220754, MONDO:0009665, OMIM 253260.

Submissions (2):

Women's Health and Genetics/Laboratory Corporation of America, LabCorp
Classification: Uncertain significance. Last evaluated: 2025-08-04. Review status: criteria provided, single submitter. Criteria: LabCorp Variant Classification Summary - May 2015. Collection method: clinical testing. Allele origin: germline.
Comment: Variant summary: BTD c.1249C>G (p.Leu417Val) results in a conservative amino acid change in the encoded protein sequence. Algorithms developed to predict the effect of missense changes on protein structure and function are either unavailable or do not agree on the potential impact of this missense change. The variant was absent in 251422 control chromosomes. The available data on variant occurrences in the general population are insufficient to allow any conclusion about variant significance. c.1249C>G has been reported in the literature in an abnormal newborn screen with reduced BTD activity (example: Procter_2016). These report(s) do not provide unequivocal conclusions about association of the variant with Biotinidase Deficiency. To our knowledge, no experimental evidence demonstrating an impact on protein function has been reported. The following publication has been ascertained in the context of this evaluation (PMID: 26810761). ClinVar contains an entry for this variant (Variation ID: 558593). Based on the evidence outlined above, the variant was classified as uncertain significance.

Counsyl
Classification: Uncertain significance for Biotinidase deficiency. Last evaluated: 2018-06-04. Review status: no assertion criteria provided. Collection method: clinical testing. Allele origin: unknown. Not counted in ClinVar's aggregate classification.

Literature cited by the submitters: PubMed 26810761 (cited by Women's Health and Genetics/Laboratory Corporation of America, LabCorp and Counsyl).

NM_001370658.1(BTD):c.1249C>G (p.Leu417Val)

Gene: BTD (biotinidase; plus strand). Cytogenetic location: 3p25.1.
Variant type: single nucleotide variant.
Coding change: c.1249C>G on transcript NM_001370658.1 (MANE Select); coding-DNA position 1249, C replaced by G.
Protein change: p.Leu417Val; replaces leucine 417 with valine.
Molecular consequence: missense variant. On other transcripts: intron variant (2).
Genome position (GRCh38, 1-based): chr3:15,645,165, C>G. VCF-style: chr3-15645165-C-G. GRCh37 (hg19) VCF-style: chr3-15686672-C-G.
Other names: c.1309C>G, p.Leu437Val (NM_000060.4); c.1249C>G, p.Leu417Val (NM_001281723.4, NM_001281724.3, NM_001281725.3 and 16 more transcripts); c.1015+234C>G (NM_001370752.1); c.399+3108C>G (NM_001370753.1); short protein forms L417V.
Identifiers: ClinVar variation 558593 (VCV000558593.6), dbSNP rs1553654107, ClinGen allele CA351608522.